The following is an entry in ClinVar:

NM_001194998.2(CEP152):c.1069G>A (p.Glu357Lys)

Gene: CEP152 (centrosomal protein 152; minus strand). Cytogenetic location: 15q21.1.
Variant type: single nucleotide variant.
Coding change: c.1069G>A on transcript NM_001194998.2 (MANE Select); coding-DNA position 1069, G replaced by A.
Protein change: p.Glu357Lys; replaces glutamic acid 357 with lysine.
Molecular consequence: missense variant.
Genome position (GRCh38, 1-based): chr15:48,788,905, C>T on the plus strand (G>A on the coding strand, the complement: CEP152 is on the minus strand). VCF-style: chr15-48788905-C-T. GRCh37 (hg19) VCF-style: chr15-49081102-C-T.
Other names: c.1069G>A, p.Glu357Lys (NM_014985.4); short protein forms E357K.
Identifiers: ClinVar variation 3010021 (VCV003010021.3), dbSNP rs2504862622, ClinGen allele CA392355333.

ClinVar aggregate classification (germline): Uncertain significance (1 of 4 stars; one submission).

Allele frequency attached by ClinVar (database versions not stated): gnomAD exomes below 0.00001.

Submission:

Labcorp Genetics (formerly Invitae), Labcorp
Classification: Uncertain significance. Last evaluated: 2024-10-17. Review status: criteria provided, single submitter. Criteria: Invitae Variant Classification Sherloc (09022015). Collection method: clinical testing. Allele origin: germline.
Comment: This sequence change replaces glutamic acid, which is acidic and polar, with lysine, which is basic and polar, at codon 357 of the CEP152 protein (p.Glu357Lys). This variant is not present in population databases (gnomAD no frequency). This variant has not been reported in the literature in individuals affected with CEP152-related conditions. Invitae Evidence Modeling of protein sequence and biophysical properties (such as structural, functional, and spatial information, amino acid conservation, physicochemical variation, residue mobility, and thermodynamic stability) indicates that this missense variant is not expected to disrupt CEP152 protein function with a negative predictive value of 80%. In summary, the available evidence is currently insufficient to determine the role of this variant in disease. Therefore, it has been classified as a Variant of Uncertain Significance.